The following is an entry in ClinVar:

NM_000214.3(JAG1):c.2250C>T (p.Pro750=)

Gene: JAG1 (jagged canonical Notch ligand 1; minus strand). Cytogenetic location: 20p12.2.
Variant type: single nucleotide variant.
Coding change: c.2250C>T on transcript NM_000214.3 (MANE Select); coding-DNA position 2250, C replaced by T.
Protein change: p.Pro750=; no amino-acid change (proline 750 retained).
Molecular consequence: synonymous variant.
Genome position (GRCh38, 1-based): chr20:10,644,957, G>A on the plus strand (C>T on the coding strand, the complement: JAG1 is on the minus strand). VCF-style: chr20-10644957-G-A. GRCh37 (hg19) VCF-style: chr20-10625605-G-A.
Other names: c.2250C>T (NM_000214.2).
Identifiers: ClinVar variation 1137711 (VCV001137711.13), dbSNP rs368675736, ClinGen allele CA9764573.
Genomic context (GRCh38, chr20:10,644,957, plus strand): 5'-GCAGACGCACGTAAAGGACTCGCCGTTGACCACACATGTGCCCCCATTATGGCAGGGGTT[G>A]GGCAGGCAGCTACTGTTTCGGGCTATAAAAGAAGAGCAGACACGACCACCCTCCCTGAGT-3'
Protein context (NP_000205.1, residues 740-760): CNIARNSSCL[Pro750=]NPCHNGGTCV

ClinVar aggregate classification (germline): Likely benign. Review status: criteria provided, multiple submitters, no conflicts (2 of 4 stars). 4 submissions from 4 submitters: Likely benign (3). 1 of the submissions does not count toward it. Last evaluated 2024-10-24.

Conditions:
JAG1-related disorder. Also called: JAG1-related disorders; JAG1-related condition.
Alagille syndrome due to a JAG1 point mutation. Also called: Alagille Syndrome 1; HEPATIC DUCTULAR HYPOPLASIA, SYNDROMATIC; JAG1-Related Alagille Syndrome. Identifiers: Orphanet 261619, Orphanet 52, MedGen C1956125, MONDO:0016862, OMIM 118450.
Deafness, congenital heart defects, and posterior embryotoxon (DCHE). Identifiers: MedGen C1866053, MONDO:0060713, OMIM 617992.
Charcot-Marie-Tooth disease, axonal, Type 2HH. Also called: CHARCOT-MARIE-TOOTH NEUROPATHY, TYPE 2HH. Identifiers: MedGen C5562003, MONDO:0030458, OMIM 619574.
Tetralogy of Fallot (TOF). Identifiers: Orphanet 3303, MedGen C0039685, MONDO:0008542, OMIM 187500, HP:0001636.

Allele frequency attached by ClinVar (database versions not stated): ExAC 0.00001; gnomAD exomes 0.00001; gnomAD 0.00002 and 0.00003; ESP Exome Variant Server 0.00008.

Submissions (4):

Labcorp Genetics (formerly Invitae), Labcorp
Classification: Likely benign for Alagille syndrome due to a JAG1 point mutation. Last evaluated: 2024-10-24. Review status: criteria provided, single submitter. Criteria: Invitae Variant Classification Sherloc (09022015). Collection method: clinical testing. Allele origin: germline.

Blueprint Genetics
Classification: Likely benign. Last evaluated: 2022-06-20. Review status: criteria provided, single submitter. Criteria: ACMG Guidelines, 2015. Collection method: clinical testing. Allele origin: germline.

Fulgent Genetics
Classification: Likely benign for Alagille syndrome due to a JAG1 point mutation; Tetralogy of Fallot; Deafness, congenital heart defects, and posterior embryotoxon; Charcot-Marie-Tooth disease, axonal, Type 2HH. Last evaluated: 2022-02-25. Review status: criteria provided, single submitter. Criteria: ACMG Guidelines, 2015. Collection method: clinical testing. Allele origin: unknown.

PreventionGenetics, part of Exact Sciences
Classification: Likely benign for JAG1-related condition. Last evaluated: 2020-11-30. Review status: no assertion criteria provided. Collection method: clinical testing. Allele origin: germline. Not counted in ClinVar's aggregate classification.
Comment: This variant is classified as likely benign based on ACMG/AMP sequence variant interpretation guidelines (Richards et al. 2015 PMID: 25741868, with internal and published modifications).